The following is an entry in ClinVar:

ClinVar aggregate classification (germline): Conflicting classifications of pathogenicity. Review status: criteria provided, conflicting classifications (1 of 4 stars). 4 submissions from 4 submitters: Uncertain significance (3); Likely benign (1). Last evaluated 2025-10-03.

Conditions:
Cardiovascular phenotype. Identifiers: MedGen CN230736.
Cardiomyopathy (CMYO). Also called: Cardiomyopathies. Identifiers: Orphanet 167848, MedGen C0878544, MONDO:0004994, HP:0001638. Inheritance: Various modes of inheritance.
Catecholaminergic polymorphic ventricular tachycardia 1. Also called: RYR2-Related Catecholaminergic Polymorphic Ventricular Tachycardia; VENTRICULAR TACHYCARDIA, CATECHOLAMINERGIC POLYMORPHIC, 1, WITH OR WITHOUT ATRIAL DYSFUNCTION AND/OR DILATED CARDIOMYOPATHY; VENTRICULAR TACHYCARDIA, STRESS-INDUCED POLYMORPHIC 1. Identifiers: Orphanet 3286, MedGen C1631597, MONDO:0011484, OMIM 604772.

Allele frequency attached by ClinVar (database versions not stated): gnomAD exomes below 0.00001.
gnomAD v4.1: 2 of 1,515,512 alleles (0.00013%); highest among the groups gnomAD compares: African/African-American, 0.0014%; no homozygotes.

Submissions (4):

Labcorp Genetics (formerly Invitae), Labcorp
Classification: Uncertain significance for Catecholaminergic polymorphic ventricular tachycardia 1. Last evaluated: 2025-10-03. Review status: criteria provided, single submitter. Criteria: Invitae Variant Classification Sherloc (09022015). Collection method: clinical testing. Allele origin: germline.
Comment: This sequence change falls in intron 103 of the RYR2 gene. It does not directly change the encoded amino acid sequence of the RYR2 protein. It affects a nucleotide within the consensus splice site. This variant is not present in population databases (gnomAD no frequency). This variant has not been reported in the literature in individuals affected with RYR2-related conditions. ClinVar contains an entry for this variant (Variation ID: 388977). Variants that disrupt the consensus splice site are a relatively common cause of aberrant splicing (PMID: 17576681, 9536098). Algorithms developed to predict the effect of sequence changes on RNA splicing suggest that this variant is not likely to affect RNA splicing. In summary, the available evidence is currently insufficient to determine the role of this variant in disease. Therefore, it has been classified as a Variant of Uncertain Significance.

Ambry Genetics
Classification: Uncertain significance for Cardiovascular phenotype. Last evaluated: 2023-08-22. Review status: criteria provided, single submitter. Criteria: Ambry Variant Classification Scheme 2023. Collection method: clinical testing. Allele origin: germline.
Comment: The c.14756+3G>A intronic variant results from a G to A substitution 3 nucleotides after coding exon 103 in the RYR2 gene. This nucleotide position is not well conserved in available vertebrate species. In silico splice site analysis predicts that this alteration will not have any significant effect on splicing. Since supporting evidence is limited at this time, the clinical significance of this alteration remains unclear.

Color Diagnostics, LLC DBA Color Health
Classification: Uncertain significance for Cardiomyopathy. Last evaluated: 2023-07-28. Review status: criteria provided, single submitter. Criteria: ACMG Guidelines, 2015. Collection method: clinical testing. Allele origin: germline.
Comment: This variant causes a G to A nucleotide substitution at the +3 position of intron 103 of the RYR2 gene. To our knowledge, functional studies have not been reported for this variant. This variant has not been reported in individuals affected with RYR2-related disorders in the literature. This variant has not been identified in the general population by the Genome Aggregation Database (gnomAD). The available evidence is insufficient to determine the role of this variant in disease conclusively. Therefore, this variant is classified as a Variant of Uncertain Significance.

GeneDx
Classification: Likely benign. Last evaluated: 2016-09-02. Review status: criteria provided, single submitter. Criteria: GeneDx Variant Classification (06012015). Collection method: clinical testing. Allele origin: germline. Affected: yes.
Comment: This variant is considered likely benign or benign based on one or more of the following criteria: it is a conservative change, it occurs at a poorly conserved position in the protein, it is predicted to be benign by multiple in silico algorithms, and/or has population frequency not consistent with disease.

Literature cited by the submitters: PubMed 17576681 (cited by Labcorp Genetics (formerly Invitae), Labcorp); PubMed 9536098 (cited by Labcorp Genetics (formerly Invitae), Labcorp).

NM_001035.3(RYR2):c.14756+3G>A

Gene: RYR2 (ryanodine receptor 2; plus strand). Cytogenetic location: 1q43.
Variant type: single nucleotide variant.
Coding change: c.14756+3G>A on transcript NM_001035.3 (MANE Select); 3 bases into the intron after coding-DNA position 14756, G replaced by A.
Molecular consequence: intron variant.
Genome position (GRCh38, 1-based): chr1:237,830,633, G>A. VCF-style: chr1-237830633-G-A. GRCh37 (hg19) VCF-style: chr1-237993933-G-A.
Other names: c.14756+3G>A (LRG_402t1).
Identifiers: ClinVar variation 388977 (VCV000388977.9), dbSNP rs1057523295, ClinGen allele CA16603660.
Genomic context (GRCh38, chr1:237,830,633, plus strand): 5'-CAGTGCCACATGGCTTTGAAACCCACACTTTACAGGAGCACAACTTGGCTAATTACTTGT[G>A]AGTGTGCCCGTTTCAGAATCTTCCACCTCTCCAGTAGACGCCACTGGTCCCTGCCCATCT-3'